The following is an entry in ClinVar:

ClinVar aggregate classification (germline): Likely benign. Review status: criteria provided, single submitter (1 of 4 stars). 2 submissions from 2 submitters: Likely benign (1). 1 of the submissions does not count toward it. Last evaluated 2026-08-01.

Conditions:
IRS2-related disorder. Also called: IRS2-related condition.

Submissions (2):

CeGaT Center for Human Genetics Tuebingen
Classification: Likely benign. Last evaluated: 2026-08-01. Review status: criteria provided, single submitter. Criteria: CeGaT Center For Human Genetics Tuebingen Variant Classification Criteria Version 2. Collection method: clinical testing. Allele origin: germline. Affected: yes. Observed: 1 variant allele.
Comment: IRS2: BS1

PreventionGenetics, part of Exact Sciences
Classification: Likely benign for IRS2-related condition. Last evaluated: 2019-09-24. Review status: no assertion criteria provided. Collection method: clinical testing. Allele origin: germline. Not counted in ClinVar's aggregate classification.
Comment: This variant is classified as likely benign based on ACMG/AMP sequence variant interpretation guidelines (Richards et al. 2015 PMID: 25741868, with internal and published modifications).

NM_003749.3(IRS2):c.61AAC[7] (p.Asn28del)

Gene: IRS2 (insulin receptor substrate 2; minus strand). Cytogenetic location: 13q34.
Variant type: Microsatellite.
Coding change: c.61AAC[7] on transcript NM_003749.3 (MANE Select); seven copies in a row of the 3-base unit AAC starting at c.61; the reference has eight copies in a row; one copy, 3 bases deleted.
Protein change: p.Asn28del; deletes asparagine 28.
Genome position (GRCh38, 1-based): chr13:109,785,970-109,785,972, GTT deleted on the plus strand (AAC on the coding strand, the reverse complement: IRS2 is on the minus strand); deleting any 3 consecutive bases within chr13:109,785,970-109,785,994 gives the same sequence; the position shown is the placement nearest the transcript's 3' end. VCF-style (leftmost placement, unchanged base first): chr13-109785969-GGTT-G. GRCh37 (hg19) VCF-style: chr13-110438316-GGTT-G.
Other names: short protein forms N28del.
Identifiers: ClinVar variation 3037154 (VCV003037154.3), dbSNP rs532810290, ClinGen allele CA7046717.